The following is an entry in ClinVar:

ClinVar aggregate classification (germline): Likely pathogenic (1 of 4 stars; one submission).

Submission:

Labcorp Genetics (formerly Invitae), Labcorp
Classification: Likely pathogenic. Last evaluated: 2024-06-03. Review status: criteria provided, single submitter. Criteria: Invitae Variant Classification Sherloc (09022015). Collection method: clinical testing. Allele origin: germline.
Comment: This sequence change affects an acceptor splice site in intron 2 of the PEPD gene. It is expected to disrupt RNA splicing. Variants that disrupt the donor or acceptor splice site typically lead to a loss of protein function (PMID: 16199547), and loss-of-function variants in PEPD are known to be pathogenic (PMID: 8198124, 10721675, 12384772, 17142620). This variant is not present in population databases (gnomAD no frequency). This variant has not been reported in the literature in individuals affected with PEPD-related conditions. Algorithms developed to predict the effect of sequence changes on RNA splicing suggest that this variant may disrupt the consensus splice site. In summary, the currently available evidence indicates that the variant is pathogenic, but additional data are needed to prove that conclusively. Therefore, this variant has been classified as Likely Pathogenic.

Literature cited by the submitters: PubMed 16199547; PubMed 8198124; PubMed 10721675; PubMed 12384772; PubMed 17142620.

NM_000285.4(PEPD):c.202-1G>A

Gene: PEPD (peptidase D; minus strand). Cytogenetic location: 19q13.11.
Variant type: single nucleotide variant.
Coding change: c.202-1G>A on transcript NM_000285.4 (MANE Select); the canonical splice acceptor site of the intron before coding-DNA position 202, G replaced by A.
Molecular consequence: splice acceptor variant. On other transcripts: intron variant (1).
Genome position (GRCh38, 1-based): chr19:33,511,156, C>T on the plus strand (G>A on the coding strand, the complement: PEPD is on the minus strand). VCF-style: chr19-33511156-C-T. GRCh37 (hg19) VCF-style: chr19-34002062-C-T.
Other names: c.201+1437G>A (NM_001166057.2); c.202-1G>A (NM_001166056.2).
Identifiers: ClinVar variation 3649017 (VCV003649017.2).